The following is an entry in ClinVar:

ClinVar aggregate classification (germline): Likely benign (1 of 4 stars; one submission).

Conditions:
NRP2-related disorder. Also called: NRP2-related condition.

gnomAD v4.1: 12 of 1,614,102 alleles (0.00074%); highest among the groups gnomAD compares: Admixed American, 0.0033%; no homozygotes.

Submission:

PreventionGenetics, part of Exact Sciences
Classification: Likely benign for NRP2-related condition. Last evaluated: 2025-09-16. Review status: criteria provided, single submitter. Criteria: ACMG Guidelines, 2015. Collection method: clinical testing. Allele origin: germline.
Comment: This variant is classified as likely benign based on ACMG/AMP sequence variant interpretation guidelines (Richards et al. 2015 PMID: 25741868, with internal and published modifications).

NM_003872.3(NRP2):c.2598C>T (p.Ala866=)

Gene: NRP2 (neuropilin 2; plus strand). Cytogenetic location: 2q33.3.
Variant type: single nucleotide variant.
Coding change: c.2598C>T on transcript NM_003872.3 (MANE Select); coding-DNA position 2598, C replaced by T.
Protein change: p.Ala866=; no amino-acid change (alanine 866 retained).
Molecular consequence: synonymous variant.
Genome position (GRCh38, 1-based): chr2:205,794,875, C>T. VCF-style: chr2-205794875-C-T. GRCh37 (hg19) VCF-style: chr2-206659599-C-T.
Other names: c.2613C>T, p.Ala871= (NM_201266.2); c.2547C>T, p.Ala849= (NM_201279.2).
Identifiers: ClinVar variation 4989135 (VCV004989135.1).